The following is an entry in ClinVar:

NM_001378454.1(ALMS1):c.87_101dup (p.Ala35_Asn36insAlaAlaAlaAlaAla)

Gene: ALMS1 (ALMS1 centrosome and basal body associated protein; plus strand). Cytogenetic location: 2p13.1.
Variant type: Duplication.
Coding change: c.87_101dup on transcript NM_001378454.1 (MANE Select); coding-DNA positions 87 to 101, 15 bases duplicated (TGCAGCGGCGGCGGC).
Protein change: p.Ala35_Asn36insAlaAlaAlaAlaAla.
Molecular consequence: inframe insertion.
Genome position (GRCh38, 1-based): chr2:73,385,955-73,385,969, TGCAGCGGCGGCGGC duplicated; duplicating any 15 consecutive bases within chr2:73,385,952-73,385,969 gives the same sequence; the c. name uses the placement nearest the transcript's 3' end. VCF-style (leftmost placement, unchanged base first): chr2-73385951-A-AGGCTGCAGCGGCGGC. GRCh37 (hg19) VCF-style: chr2-73613079-A-AGGCTGCAGCGGCGGC.
Other names: c.90_104dup, p.Ala36_Asn37insAlaAlaAlaAlaAla (NM_015120.4); c.87_101dup15 (NM_015120.4).
Identifiers: ClinVar variation 4981906 (VCV004981906.1).

ClinVar aggregate classification (germline): Uncertain significance (1 of 4 stars; one submission).

Conditions:
ALMS1-related disorder. Also called: ALMS1-related condition.

Submission:

PreventionGenetics, part of Exact Sciences
Classification: Uncertain significance for ALMS1-related condition. Last evaluated: 2025-07-28. Review status: criteria provided, single submitter. Criteria: ACMG Guidelines, 2015. Collection method: clinical testing. Allele origin: germline.
Comment: The ALMS1 c.87_101dup15 variant is predicted to result in an in-frame duplication (p.Ala31_Ala35dup). To our knowledge, this variant has not been reported in the literature or in a large population database (gnomAD), indicating this variant is rare. At this time, the clinical significance of this variant is uncertain due to the absence of conclusive functional and genetic evidence.